The following is an entry in ClinVar:

ClinVar aggregate classification (germline): Uncertain significance (1 of 4 stars; one submission).

Conditions:
Birt-Hogg-Dube syndrome. Also called: Birt Hogg Dubé syndrome. Identifiers: Orphanet 122, MedGen C0346010, MONDO:0800444.

Submission:

Labcorp Genetics (formerly Invitae), Labcorp
Classification: Uncertain significance for Birt-Hogg-Dube syndrome. Last evaluated: 2022-12-15. Review status: criteria provided, single submitter. Criteria: Invitae Variant Classification Sherloc (09022015). Collection method: clinical testing. Allele origin: germline.
Comment: In summary, the available evidence is currently insufficient to determine the role of this variant in disease. Therefore, it has been classified as a Variant of Uncertain Significance. Advanced modeling of protein sequence and biophysical properties (such as structural, functional, and spatial information, amino acid conservation, physicochemical variation, residue mobility, and thermodynamic stability) performed at Invitae indicates that this missense variant is not expected to disrupt FLCN protein function. This variant has not been reported in the literature in individuals affected with FLCN-related conditions. This variant is not present in population databases (gnomAD no frequency). This sequence change replaces aspartic acid, which is acidic and polar, with glutamic acid, which is acidic and polar, at codon 248 of the FLCN protein (p.Asp248Glu).

NM_144997.7(FLCN):c.744C>G (p.Asp248Glu)

Gene: FLCN (folliculin; minus strand). Cytogenetic location: 17p11.2.
Variant type: single nucleotide variant.
Coding change: c.744C>G on transcript NM_144997.7 (MANE Select); coding-DNA position 744, C replaced by G.
Protein change: p.Asp248Glu; replaces aspartic acid 248 with glutamic acid.
Molecular consequence: missense variant.
Genome position (GRCh38, 1-based): chr17:17,222,536, G>C on the plus strand (C>G on the coding strand, the complement: FLCN is on the minus strand). VCF-style: chr17-17222536-G-C. GRCh37 (hg19) VCF-style: chr17-17125850-G-C.
Other names: c.798C>G, p.Asp266Glu (NM_001353229.2); c.744C>G, p.Asp248Glu (NM_001353230.2, NM_001353231.2, NM_144606.7); short protein forms D248E, D266E.
Identifiers: ClinVar variation 2810825 (VCV002810825.3), dbSNP rs2144948708, ClinGen allele CA398533887.